The following is an entry in ClinVar:

NM_002335.4(LRP5):c.2647C>T (p.Gln883Ter)

Gene: LRP5 (LDL receptor related protein 5; plus strand). Cytogenetic location: 11q13.2.
Variant type: single nucleotide variant.
Coding change: c.2647C>T on transcript NM_002335.4 (MANE Select); coding-DNA position 2647, C replaced by T.
Protein change: p.Gln883Ter; replaces glutamine 883 with a stop codon.
Molecular consequence: nonsense.
Genome position (GRCh38, 1-based): chr11:68,413,832, C>T. VCF-style: chr11-68413832-C-T. GRCh37 (hg19) VCF-style: chr11-68181300-C-T.
Other names: c.904C>T, p.Gln302Ter (NM_001291902.2); short protein forms Q302*, Q883*.
Identifiers: ClinVar variation 1963014 (VCV001963014.5), dbSNP rs1341806090, ClinGen allele CA381618642.

ClinVar aggregate classification (germline): Pathogenic (1 of 4 stars; one submission).

Allele frequency attached by ClinVar (database versions not stated): gnomAD exomes below 0.00001.
gnomAD v4.1: 3 of 1,613,788 alleles (0.00019%); highest among the groups gnomAD compares: Non-Finnish European, 0.00025%; no homozygotes.

Submission:

Labcorp Genetics (formerly Invitae), Labcorp
Classification: Pathogenic. Last evaluated: 2022-03-17. Review status: criteria provided, single submitter. Criteria: Invitae Variant Classification Sherloc (09022015). Collection method: clinical testing. Allele origin: germline.
Comment: This sequence change creates a premature translational stop signal (p.Gln883*) in the LRP5 gene. It is expected to result in an absent or disrupted protein product. Loss-of-function variants in LRP5 are known to be pathogenic (PMID: 11719191, 16252235, 25711638). This variant is not present in population databases (gnomAD no frequency). This variant has not been reported in the literature in individuals affected with LRP5-related conditions. For these reasons, this variant has been classified as Pathogenic.

Literature cited by the submitters: PubMed 11719191; PubMed 16252235; PubMed 25711638.